The following is an entry in ClinVar:

ClinVar aggregate classification (germline): Uncertain significance. Review status: criteria provided, multiple submitters, no conflicts (2 of 4 stars). 2 submissions from 2 submitters: Uncertain significance (2). Last evaluated 2022-01-17.

Conditions:
Gastrointestinal stromal tumor. Also called: Gastrointestinal stromal tumor, somatic; Gastrointestinal stroma tumor. Identifiers: Orphanet 44890, MedGen C0238198, MeSH D046152, MONDO:0011719, OMIM 606764, HP:0100723.
Hereditary cancer-predisposing syndrome. Also called: Neoplastic Syndromes, Hereditary; Tumor predisposition; Hereditary Cancer Syndrome; Hereditary neoplastic syndrome. Identifiers: Orphanet 140162, MedGen C0027672, MeSH D009386, MONDO:0015356.

gnomAD v4.1: 1 of 1,614,076 alleles (0.000062%); highest among the groups gnomAD compares: Non-Finnish European, 0.000085%; no homozygotes.

Submissions (2):

Labcorp Genetics (formerly Invitae), Labcorp
Classification: Uncertain significance for Gastrointestinal stromal tumor. Last evaluated: 2022-01-17. Review status: criteria provided, single submitter. Criteria: Invitae Variant Classification Sherloc (09022015). Collection method: clinical testing. Allele origin: germline.
Comment: In summary, the available evidence is currently insufficient to determine the role of this variant in disease. Therefore, it has been classified as a Variant of Uncertain Significance. Algorithms developed to predict the effect of missense changes on protein structure and function are either unavailable or do not agree on the potential impact of this missense change (SIFT: "Deleterious"; PolyPhen-2: "Benign"; Align-GVGD: "Class C25"). This variant has not been reported in the literature in individuals affected with KIT-related conditions. This variant is not present in population databases (gnomAD no frequency). This sequence change replaces valine, which is neutral and non-polar, with isoleucine, which is neutral and non-polar, at codon 569 of the KIT protein (p.Val569Ile).

Ambry Genetics
Classification: Uncertain significance for Hereditary cancer-predisposing syndrome. Last evaluated: 2021-07-16. Review status: criteria provided, single submitter. Criteria: Ambry Variant Classification Scheme 2023. Collection method: clinical testing. Allele origin: germline.
Comment: The p.V569I variant (also known as c.1705G>A), located in coding exon 11 of the KIT gene, results from a G to A substitution at nucleotide position 1705. The valine at codon 569 is replaced by isoleucine, an amino acid with highly similar properties. This amino acid position is well conserved in available vertebrate species. In addition, the in silico prediction for this alteration is inconclusive. Since supporting evidence is limited at this time, the clinical significance of this alteration remains unclear.

NM_000222.3(KIT):c.1705G>A (p.Val569Ile)

Gene: KIT (KIT proto-oncogene, receptor tyrosine kinase; plus strand). Cytogenetic location: 4q12.
Variant type: single nucleotide variant.
Coding change: c.1705G>A on transcript NM_000222.3 (MANE Select); coding-DNA position 1705, G replaced by A.
Protein change: p.Val569Ile; replaces valine 569 with isoleucine.
Molecular consequence: missense variant.
Genome position (GRCh38, 1-based): chr4:54,727,473, G>A. VCF-style: chr4-54727473-G-A. GRCh37 (hg19) VCF-style: chr4-55593639-G-A.
Other names: c.1693G>A, p.Val565Ile (NM_001093772.2, NM_001385286.1); c.1708G>A, p.Val570Ile (NM_001385284.1, NM_001385290.1); c.1705G>A, p.Val569Ile (NM_001385285.1); c.1696G>A, p.Val566Ile (NM_001385288.1, NM_001385292.1); short protein forms V565I, V570I, V569I, V566I.
Identifiers: ClinVar variation 1778434 (VCV001778434.7), dbSNP rs1464893716, ClinGen allele CA356907532.